The following is an entry in ClinVar:

ClinVar aggregate classification (germline): Uncertain significance (1 of 4 stars; one submission).

Conditions:
Hereditary cancer-predisposing syndrome. Also called: Hereditary Cancer Syndrome; Hereditary neoplastic syndrome; Tumor predisposition; Neoplastic Syndromes, Hereditary. Identifiers: Orphanet 140162, MedGen C0027672, MeSH D009386, MONDO:0015356.

Submission:

Ambry Genetics
Classification: Uncertain significance for Hereditary cancer-predisposing syndrome. Last evaluated: 2024-11-16. Review status: criteria provided, single submitter. Criteria: Ambry Variant Classification Scheme 2023. Collection method: clinical testing. Allele origin: germline.
Comment: The p.I4T variant (also known as c.11T>C), located in coding exon 1 of the ALK gene, results from a T to C substitution at nucleotide position 11. The isoleucine at codon 4 is replaced by threonine, an amino acid with similar properties. This amino acid position is conserved. In addition, this alteration is predicted to be tolerated by in silico analysis. Based on the available evidence, the clinical significance of this variant remains unclear.

NM_004304.5(ALK):c.11T>C (p.Ile4Thr)

Gene: ALK (ALK receptor tyrosine kinase; minus strand). Cytogenetic location: 2p23.1.
Variant type: single nucleotide variant.
Coding change: c.11T>C on transcript NM_004304.5 (MANE Select); coding-DNA position 11, T replaced by C.
Protein change: p.Ile4Thr; replaces isoleucine 4 with threonine.
Molecular consequence: missense variant.
Genome position (GRCh38, 1-based): chr2:29,920,649, A>G on the plus strand (T>C on the coding strand, the complement: ALK is on the minus strand). VCF-style: chr2-29920649-A-G. GRCh37 (hg19) VCF-style: chr2-30143515-A-G.
Other names: short protein forms I4T.
Identifiers: ClinVar variation 3525148 (VCV003525148.1).